The following is an entry in ClinVar:

ClinVar aggregate classification (germline): Pathogenic (1 of 4 stars; one submission).

Submission:

Labcorp Genetics (formerly Invitae), Labcorp
Classification: Pathogenic. Last evaluated: 2019-12-28. Review status: criteria provided, single submitter. Criteria: Invitae Variant Classification Sherloc (09022015). Collection method: clinical testing. Allele origin: germline.
Comment: For these reasons, this variant has been classified as Pathogenic. Loss-of-function variants in USH2A are known to be pathogenic (PMID: 10729113, 10909849, 20507924, 25649381). This variant has not been reported in the literature in individuals with USH2A-related conditions. This variant is an out-of-frame deletion of the genomic region encompassing exon(s) 10-15 of the USH2A gene. This is expected to create a premature translational stop signal and result in an absent or disrupted protein product.

Literature cited by the submitters: PubMed 10729113; PubMed 10909849; PubMed 20507924; PubMed 25649381.

NC_000001.11:g.(?_216217387)_(216292370_?)del

Gene: USH2A (usherin; minus strand). Cytogenetic location: 1q41.
Variant type: Deletion.
Identifiers: ClinVar variation 833029 (VCV000833029.5).